The following is an entry in ClinVar:

ClinVar aggregate classification (germline): Uncertain significance (1 of 4 stars; one submission).

Conditions:
Dyskeratosis congenita. Identifiers: Orphanet 1775, MedGen C0265965, MONDO:0015780.

gnomAD v4.1: 3 of 1,555,782 alleles (0.00019%); highest among the groups gnomAD compares: Non-Finnish European, 0.000087%; no homozygotes.

Submission:

Ambry Genetics
Classification: Uncertain significance for Dyskeratosis congenita. Last evaluated: 2026-02-25. Review status: criteria provided, single submitter. Criteria: Ambry Variant Classification Scheme 2023. Collection method: clinical testing. Allele origin: germline.
Comment: The p.A417S variant (also known as c.1249G>T), located in coding exon 2 of the TERT gene, results from a G to T substitution at nucleotide position 1249. The alanine at codon 417 is replaced by serine, an amino acid with similar properties. This amino acid position is conserved. In addition, this alteration is predicted to be tolerated by in silico analysis. Based on the available evidence, the clinical significance of this variant remains unclear.

NM_198253.3(TERT):c.1249G>T (p.Ala417Ser)

Gene: TERT (telomerase reverse transcriptase; minus strand). Cytogenetic location: 5p15.33.
Variant type: single nucleotide variant.
Coding change: c.1249G>T on transcript NM_198253.3 (MANE Select); coding-DNA position 1249, G replaced by T.
Protein change: p.Ala417Ser; replaces alanine 417 with serine.
Molecular consequence: missense variant. On other transcripts: non-coding transcript variant (2).
Genome position (GRCh38, 1-based): chr5:1,293,637, C>A on the plus strand (G>T on the coding strand, the complement: TERT is on the minus strand). VCF-style: chr5-1293637-C-A. GRCh37 (hg19) VCF-style: chr5-1293752-C-A.
Other names: c.1249G>T, p.Ala417Ser (NM_001193376.3); short protein forms A417S.
Identifiers: ClinVar variation 4827642 (VCV004827642.1).